The following is an entry in ClinVar:

NM_001164508.2(NEB):c.4314C>T (p.Asp1438=)

Gene: NEB (nebulin; minus strand). Cytogenetic location: 2q23.3.
Variant type: single nucleotide variant.
Coding change: c.4314C>T on transcript NM_001164508.2 (MANE Select); coding-DNA position 4314, C replaced by T.
Protein change: p.Asp1438=; no amino-acid change (aspartic acid 1438 retained).
Molecular consequence: synonymous variant.
Genome position (GRCh38, 1-based): chr2:151,671,215, G>A on the plus strand (C>T on the coding strand, the complement: NEB is on the minus strand). VCF-style: chr2-151671215-G-A. GRCh37 (hg19) VCF-style: chr2-152527729-G-A.
Other names: c.4314C>T, p.Asp1438= (NM_001164507.2, NM_001271208.2, NM_004543.5); c.4314C>T (NM_001271208.1).
Identifiers: ClinVar variation 1110530 (VCV001110530.11), dbSNP rs1419373548, ClinGen allele CA429242805.

ClinVar aggregate classification (germline): Likely benign. Review status: criteria provided, single submitter (1 of 4 stars). 2 submissions from 2 submitters: Likely benign (1). 1 of the submissions does not count toward it. Last evaluated 2023-03-14.

Conditions:
NEB-related disorder. Also called: NEB-related condition; NEB-Related Disorders.
Nemaline myopathy 2 (NEM2). Also called: Nemaline myopathy 2, autosomal recessive. Identifiers: MedGen C1850569, MONDO:0009725, OMIM 256030.

Allele frequency attached by ClinVar (database versions not stated): gnomAD exomes below 0.00001; TOPMed 0.00001.
gnomAD v4.1: 9 of 1,612,940 alleles (0.00056%); highest among the groups gnomAD compares: African/African-American, 0.0013%; no homozygotes.

Submissions (2):

Labcorp Genetics (formerly Invitae), Labcorp
Classification: Likely benign for Nemaline myopathy 2. Last evaluated: 2023-03-14. Review status: criteria provided, single submitter. Criteria: Invitae Variant Classification Sherloc (09022015). Collection method: clinical testing. Allele origin: germline.

PreventionGenetics, part of Exact Sciences
Classification: Likely benign for NEB-related condition. Last evaluated: 2019-04-25. Review status: no assertion criteria provided. Collection method: clinical testing. Allele origin: germline. Not counted in ClinVar's aggregate classification.
Comment: This variant is classified as likely benign based on ACMG/AMP sequence variant interpretation guidelines (Richards et al. 2015 PMID: 25741868, with internal and published modifications).